The following is an entry in ClinVar:

NM_033026.6(PCLO):c.2080C>A (p.Leu694Ile)

Gene: PCLO (piccolo presynaptic cytomatrix protein; minus strand). Cytogenetic location: 7q21.11.
Variant type: single nucleotide variant.
Coding change: c.2080C>A on transcript NM_033026.6 (MANE Select); coding-DNA position 2080, C replaced by A.
Protein change: p.Leu694Ile; replaces leucine 694 with isoleucine.
Molecular consequence: missense variant.
Genome position (GRCh38, 1-based): chr7:83,135,470, G>T on the plus strand (C>A on the coding strand, the complement: PCLO is on the minus strand). VCF-style: chr7-83135470-G-T. GRCh37 (hg19) VCF-style: chr7-82764786-G-T.
Other names: c.2080C>A, p.Leu694Ile (NM_014510.3); short protein forms L694I.
Identifiers: ClinVar variation 1895911 (VCV001895911.5), dbSNP rs779398485, ClinGen allele CA4321315.

ClinVar aggregate classification (germline): Uncertain significance (1 of 4 stars; one submission).

Allele frequency attached by ClinVar (database versions not stated): TOPMed below 0.00001; gnomAD 0.00001; ExAC 0.00002.
gnomAD v4.1: 18 of 1,613,662 alleles (0.0011%); highest among the groups gnomAD compares: South Asian, 0.0044%; no homozygotes.

Submission:

Labcorp Genetics (formerly Invitae), Labcorp
Classification: Uncertain significance. Last evaluated: 2024-10-30. Review status: criteria provided, single submitter. Criteria: Invitae Variant Classification Sherloc (09022015). Collection method: clinical testing. Allele origin: germline.
Comment: This sequence change replaces leucine, which is neutral and non-polar, with isoleucine, which is neutral and non-polar, at codon 694 of the PCLO protein (p.Leu694Ile). This variant is present in population databases (rs779398485, gnomAD 0.003%). This variant has not been reported in the literature in individuals affected with PCLO-related conditions. ClinVar contains an entry for this variant (Variation ID: 1895911). An algorithm developed to predict the effect of missense changes on protein structure and function outputs the following: PolyPhen-2: "Not Available". The isoleucine amino acid residue is found in multiple mammalian species, which suggests that this missense change does not adversely affect protein function. In summary, the available evidence is currently insufficient to determine the role of this variant in disease. Therefore, it has been classified as a Variant of Uncertain Significance.